The following is an entry in ClinVar:

ClinVar aggregate classification (germline): Conflicting classifications of pathogenicity. Review status: criteria provided, conflicting classifications (1 of 4 stars). 5 submissions from 5 submitters: Uncertain significance (2); Likely benign (2). 1 of the submissions does not count toward it. Last evaluated 2026-02-02.

Conditions:
COL11A1-related disorder. Also called: COL11A1-related disorders; COL11A1-related condition.
Connective tissue disorder. Also called: Connective tissue disease. Identifiers: MedGen C0009782, MONDO:0003900.

Allele frequency attached by ClinVar (database versions not stated): gnomAD 0.00001; gnomAD exomes 0.00002 and 0.00004; TOPMed 0.00004; ExAC 0.00008.
gnomAD v4.1: 37 of 1,599,170 alleles (0.0023%); highest among the groups gnomAD compares: Middle Eastern, 0.033%; no homozygotes.

Submissions (5):

Labcorp Genetics (formerly Invitae), Labcorp
Classification: Likely benign. Last evaluated: 2026-02-02. Review status: criteria provided, single submitter. Criteria: Invitae Variant Classification Sherloc (09022015). Collection method: clinical testing. Allele origin: germline.

Blueprint Genetics
Classification: Likely benign. Last evaluated: 2024-01-09. Review status: criteria provided, single submitter. Criteria: ACMG Guidelines, 2015. Collection method: clinical testing. Allele origin: germline.

Genome Diagnostics Laboratory, The Hospital for Sick Children
Classification: Uncertain significance for Connective tissue disorder. Last evaluated: 2019-12-01. Review status: criteria provided, single submitter. Criteria: ACMG Guidelines, 2015. Collection method: clinical testing. Allele origin: germline.

Eurofins Ntd Llc (ga)
Classification: Uncertain significance. Last evaluated: 2016-09-01. Review status: criteria provided, single submitter. Criteria: EGL Classification Definitions 2015. Collection method: clinical testing. Allele origin: germline. Observed: 1 variant allele, 1 heterozygote.

PreventionGenetics, part of Exact Sciences
Classification: Likely benign for COL11A1-related condition. Last evaluated: 2020-06-09. Review status: no assertion criteria provided. Collection method: clinical testing. Allele origin: germline. Not counted in ClinVar's aggregate classification.
Comment: This variant is classified as likely benign based on ACMG/AMP sequence variant interpretation guidelines (Richards et al. 2015 PMID: 25741868, with internal and published modifications).

NM_001854.4(COL11A1):c.2610+9T>C

Gene: COL11A1 (collagen type XI alpha 1 chain; minus strand). Cytogenetic location: 1p21.1.
Variant type: single nucleotide variant.
Coding change: c.2610+9T>C on transcript NM_001854.4 (MANE Select); 9 bases into the intron after coding-DNA position 2610, T replaced by C.
Molecular consequence: intron variant.
Genome position (GRCh38, 1-based): chr1:102,979,373, A>G on the plus strand (T>C on the coding strand, the complement: COL11A1 is on the minus strand). VCF-style: chr1-102979373-A-G. GRCh37 (hg19) VCF-style: chr1-103444929-A-G.
Other names: c.2493+9T>C (NM_001190709.2); c.2646+9T>C (NM_080629.3); c.2262+9T>C (NM_080630.4).
Identifiers: ClinVar variation 289687 (VCV000289687.22), dbSNP rs754222130, ClinGen allele CA974366.